The following is an entry in ClinVar:

NM_001177316.2(SLC34A3):c.925+54G>C

Gene: SLC34A3 (solute carrier family 34 member 3; plus strand). Cytogenetic location: 9q34.3.
Variant type: single nucleotide variant.
Coding change: c.925+54G>C on transcript NM_001177316.2 (MANE Select); 54 bases into the intron after coding-DNA position 925, G replaced by C.
Molecular consequence: intron variant.
Genome position (GRCh38, 1-based): chr9:137,233,995, G>C. VCF-style: chr9-137233995-G-C. GRCh37 (hg19) VCF-style: chr9-140128447-G-C.
Other names: c.925+54G>C (NM_001177317.2, NM_080877.3).
Identifiers: ClinVar variation 4981048 (VCV004981048.1).

ClinVar aggregate classification (germline): Likely benign (1 of 4 stars; one submission).

Conditions:
SLC34A3-related disorder. Also called: SLC34A3-related condition.

Submission:

PreventionGenetics, part of Exact Sciences
Classification: Likely benign for SLC34A3-related condition. Last evaluated: 2024-10-11. Review status: criteria provided, single submitter. Criteria: ACMG Guidelines, 2015. Collection method: clinical testing. Allele origin: germline.
Comment: This variant is classified as likely benign based on ACMG/AMP sequence variant interpretation guidelines (Richards et al. 2015 PMID: 25741868, with internal and published modifications).